The following is an entry in ClinVar:

ClinVar aggregate classification (germline): Uncertain significance. Review status: criteria provided, multiple submitters, no conflicts (2 of 4 stars). 11 submissions from 11 submitters: Uncertain significance (9). 2 of the submissions do not count toward it. Last evaluated 2025-11-19.

Conditions:
Ataxia-telangiectasia syndrome (AT). Also called: Ataxia-telangiectasia, complementation group E; Cerebello-oculocutaneous telangiectasia; Immunodeficiency with ataxia telangiectasia; Ataxia-telangiectasia, complementation group D; AT, COMPLEMENTATION GROUP C; ATAXIA-TELANGIECTASIA, COMPLEMENTATION GROUP A. Identifiers: Orphanet 100, MedGen C0004135, MONDO:0008840, OMIM 208900.
Hereditary cancer-predisposing syndrome. Also called: Hereditary neoplastic syndrome; Neoplastic Syndromes, Hereditary; Hereditary Cancer Syndrome; Tumor predisposition. Identifiers: Orphanet 140162, MedGen C0027672, MeSH D009386, MONDO:0015356.

Allele frequency attached by ClinVar (database versions not stated): gnomAD exomes 0.00002.
gnomAD v4.1: 25 of 1,596,668 alleles (0.0016%); highest among the groups gnomAD compares: Non-Finnish European, 0.0021%; no homozygotes.

Submissions (11):

Color Diagnostics, LLC DBA Color Health
Classification: Uncertain significance for Hereditary cancer-predisposing syndrome. Last evaluated: 2025-11-19. Review status: criteria provided, single submitter. Criteria: ACMG Guidelines, 2015. Collection method: clinical testing. Allele origin: germline.
Comment: This missense variant replaces leucine with histidine at codon 1555 of the ATM protein. Computational predictions are inconclusive regarding the impact of this variant on protein structure and function. To our knowledge, functional studies have not been reported for this variant. This variant has been reported in at least one individual affected with breast cancer and in a suspected hereditary breast and ovarian cancer family (PMID: 17393301, 19781682, 24549055). This variant also has been detected in a breast cancer case-control meta-analysis in 1/60466 cases and 2/53461 unaffected individuals (PMID: 33471991LOVD DB-ID ATM_002435). This variant has been identified in 25/1596668 chromosomes in the general population by the Genome Aggregation Database (gnomAD). The available evidence is insufficient to determine the role of this variant in disease conclusively. Therefore, this variant is classified as a Variant of Uncertain Significance.

Labcorp Genetics (formerly Invitae), Labcorp
Classification: Uncertain significance for Ataxia-telangiectasia syndrome. Last evaluated: 2025-07-17. Review status: criteria provided, single submitter. Criteria: Invitae Variant Classification Sherloc (09022015). Collection method: clinical testing. Allele origin: germline.
Comment: This sequence change replaces leucine, which is neutral and non-polar, with histidine, which is basic and polar, at codon 1555 of the ATM protein (p.Leu1555His). This variant is not present in population databases (gnomAD no frequency). This missense change has been observed in individual(s) with breast cancer (PMID: 17393301, 19781682). ClinVar contains an entry for this variant (Variation ID: 407448). Invitae Evidence Modeling of protein sequence and biophysical properties (such as structural, functional, and spatial information, amino acid conservation, physicochemical variation, residue mobility, and thermodynamic stability) indicates that this missense variant is not expected to disrupt ATM protein function with a negative predictive value of 95%. In summary, the available evidence is currently insufficient to determine the role of this variant in disease. Therefore, it has been classified as a Variant of Uncertain Significance.

Ambry Genetics
Classification: Uncertain significance for Hereditary cancer-predisposing syndrome. Last evaluated: 2025-06-11. Review status: criteria provided, single submitter. Criteria: Ambry Variant Classification Scheme 2023. Collection method: clinical testing. Allele origin: germline.
Comment: The p.L1555H variant (also known as c.4664T>A), located in coding exon 30 of the ATM gene, results from a T to A substitution at nucleotide position 4664. The leucine at codon 1555 is replaced by histidine, an amino acid with similar properties. This alteration has been detected in multiple breast cancer patients (Broeks A et al. Breast Cancer Res. Treat., 2008 Jan;107:243-8; Tavtigian SV et al. Am J Hum Genet, 2009 Oct;85:427-46; Cast&eacute;ra L et al. Eur J Hum Genet, 2014 Nov;22:1305-13). This alteration was also identified in 1/1358 non-cancer control individuals and in 0/57 cases, in a study looking at cancer predisposition mutations in patients with cutaneous melanoma and a history of at least two additional non-cutaneous melanoma primary cancers (Pritchard AL et al. PLoS One, 2018 Apr;13:e0194098). This amino acid position is highly conserved in available vertebrate species. In addition, the in silico prediction for this alteration is inconclusive. Since supporting evidence is limited at this time, the clinical significance of this alteration remains unclear.

ARUP Laboratories, Molecular Genetics and Genomics, ARUP Laboratories
Classification: Uncertain significance. Last evaluated: 2025-05-29. Review status: criteria provided, single submitter. Criteria: ARUP Molecular Germline Variant Investigation Process 2024. Collection method: clinical testing. Allele origin: germline.
Comment: The ATM c.4664T>A; p.Leu1555His variant (rs1060501524, ClinVar Variation ID: 407448) is reported in the literature in individuals from breast and/or ovarian cancer cohorts (Broeks 2008, Castera 2014, Tavtigian 2009) as well as a non-cancer control cohort (Pritchard 2018). This variant is absent from the Genome Aggregation Database (v2.1.1), indicating it is not a common polymorphism. Computational analyses are uncertain whether this variant is neutral or deleterious (REVEL: 0.384). Due to limited information, the clinical significance of this variant is uncertain at this time. References: Broeks A et al. The spectrum of ATM missense variants and their contribution to contralateral breast cancer. Breast Cancer Res Treat. 2008 Jan;107(2):243-8. PMID: 17393301. Castera L et al. Next-generation sequencing for the diagnosis of hereditary breast and ovarian cancer using genomic capture targeting multiple candidate genes. Eur J Hum Genet. 2014 Nov;22(11):1305-13. PMID: 24549055. Pritchard AL et al. Germline mutations in candidate predisposition genes in individuals with cutaneous melanoma and at least two independent additional primary cancers. PLoS One. 2018 Apr 11;13(4):e0194098. PMID: 29641532. Tavtigian SV et al. Rare, evolutionarily unlikely missense substitutions in ATM confer increased risk of breast cancer. Am J Hum Genet. 2009 Oct;85(4):427-46. PMID: 19781682.

GeneDx
Classification: Uncertain significance. Last evaluated: 2025-04-01. Review status: criteria provided, single submitter. Criteria: GeneDx Variant Classification Process June 2021. Collection method: clinical testing. Allele origin: germline.
Comment: Not observed at significant frequency in large population cohorts (gnomAD); In silico analysis supports that this missense variant has a deleterious effect on protein structure/function; Identified in patients with a personal or family history of breast or ovarian cancer, but also seen in unaffected controls (PMID: 17393301, 19781682, 24549055, 33471991); This variant is associated with the following publications: (PMID: 19781682, 17393301, 33471991, 29641532, 24549055)

Molecular Pathology, Peter Maccallum Cancer Centre
Classification: Uncertain significance for Ataxia-telangiectasia syndrome. Last evaluated: 2024-08-07. Review status: criteria provided, single submitter. Criteria: ACMG Guidelines, 2015. Collection method: clinical testing. Allele origin: germline. Inheritance: Autosomal recessive inheritance.

Sema4
Classification: Uncertain significance for Hereditary cancer-predisposing syndrome. Last evaluated: 2021-06-29. Review status: criteria provided, single submitter. Criteria: Sema4 Curation Guidelines. Collection method: curation. Allele origin: germline.
Comment: The ATM c.4664T>A (p.L1555H) variant has been reported in several individuals with breast cancer (PMID: 33471991, 19781682, 17393301), and was also identified in healthy controls (PMID: 33471991, 29641532). It was not observed in the large and broad cohorts of the Genome Aggregation Database (PMID: 32461654). The variant has been reported in ClinVar (Variation ID 407448). In silico tools suggest the impact of the variant on protein function is deleterious, though these predictions have not been confirmed by functional studies. The evidence is insufficient to meet ACMG/AMP criteria for classifying the variant as benign or pathogenic. Thus, the clinical significance of this variant is currently uncertain.

Genetic Services Laboratory, University of Chicago
Classification: Uncertain significance. Last evaluated: 2021-02-26. Review status: criteria provided, single submitter. Criteria: ACMG Guidelines, 2015. Collection method: clinical testing. Allele origin: germline. Affected: no.
Comment: This sequence change has been previously described in a patient with breast cancer but no other details were provided (PMID: 19781682). This sequence change has not been described in the population databases such as gnomAD and ExAC (dbSNP rs1060501524). The p.Leu1555His change affects a highly conserved amino acid residue located in a domain of the ATM protein that is known to be functional. The p.Leu1555His substitution appears to be deleterious using several in-silico pathogenicity prediction tools (SIFT, PolyPhen2, Align GVGD, MutationTaster). Due to the lack of functional studies, the clinical significance of the p.Leu1555His change remains unknown at this time.

Mendelics
Classification: Uncertain significance for Ataxia-telangiectasia syndrome. Last evaluated: 2019-05-28. Review status: criteria provided, single submitter. Criteria: Mendelics Assertion Criteria 2017. Collection method: clinical testing. Allele origin: unknown.

Natera, Inc.
Classification: Uncertain significance for Ataxia-telangiectasia. Last evaluated: 2021-01-19. Review status: no assertion criteria provided. Collection method: clinical testing. Allele origin: germline. Not counted in ClinVar's aggregate classification.

Counsyl
Classification: Uncertain significance for Ataxia-telangiectasia syndrome. Last evaluated: 2018-01-05. Review status: no assertion criteria provided. Collection method: clinical testing. Allele origin: unknown. Not counted in ClinVar's aggregate classification.

Literature cited by the submitters: PubMed 17393301 (cited by 4 submitters); PubMed 19781682 (cited by 4 submitters); PubMed 24549055 (cited by Color Diagnostics, LLC DBA Color Health and Ambry Genetics); PubMed 33471991 (cited by Color Diagnostics, LLC DBA Color Health and Sema4); PubMed 29641532 (cited by Ambry Genetics and Sema4).

NM_000051.4(ATM):c.4664T>A (p.Leu1555His)

Gene: ATM (ATM serine/threonine kinase; plus strand). Cytogenetic location: 11q22.3.
Variant type: single nucleotide variant.
Coding change: c.4664T>A on transcript NM_000051.4 (MANE Select); coding-DNA position 4664, T replaced by A.
Protein change: p.Leu1555His; replaces leucine 1555 with histidine.
Molecular consequence: missense variant.
Genome position (GRCh38, 1-based): chr11:108,293,365, T>A. VCF-style: chr11-108293365-T-A. GRCh37 (hg19) VCF-style: chr11-108164092-T-A.
Other names: c.4664T>A, p.Leu1555His (NM_001351834.2); short protein forms L1555H.
Identifiers: ClinVar variation 407448 (VCV000407448.34), dbSNP rs1060501524, ClinGen allele CA16613147.